The following is an entry in ClinVar:

NM_006892.4(DNMT3B):c.1975C>A (p.Pro659Thr)

Gene: DNMT3B (DNA methyltransferase 3 beta; plus strand). Cytogenetic location: 20q11.21.
Variant type: single nucleotide variant.
Coding change: c.1975C>A on transcript NM_006892.4 (MANE Select); coding-DNA position 1975, C replaced by A.
Protein change: p.Pro659Thr; replaces proline 659 with threonine.
Molecular consequence: missense variant.
Genome position (GRCh38, 1-based): chr20:32,800,904, C>A. VCF-style: chr20-32800904-C-A. GRCh37 (hg19) VCF-style: chr20-31388710-C-A.
Other names: c.1789C>A, p.Pro597Thr (NM_001207055.2); c.1687C>A, p.Pro563Thr (NM_001207056.2); c.1915C>A, p.Pro639Thr (NM_175848.2, NM_175849.2); c.1951C>A, p.Pro651Thr (NM_175850.3); short protein forms P563T, P639T, P597T, P659T, P651T.
Identifiers: ClinVar variation 1481908 (VCV001481908.6), dbSNP rs2146049095, ClinGen allele CA408589004.

ClinVar aggregate classification (germline): Uncertain significance (1 of 4 stars; one submission).

Conditions:
Centromeric instability of chromosomes 1,9 and 16 and immunodeficiency (ICF1). Also called: CENTROMERIC INSTABILITY, IMMUNODEFICIENCY SYNDROME; IMMUNE DEFICIENCY, VARIABLE, WITH CENTROMERIC INSTABILITY OF CHROMOSOMES 1, 9, AND 16; IMMUNODEFICIENCY SYNDROME, VARIABLE; Immunodeficiency-centromeric instability-facial anomalies. Identifiers: Orphanet 2268, MedGen C0398788, MONDO:0000133.

Submission:

Labcorp Genetics (formerly Invitae), Labcorp
Classification: Uncertain significance for Centromeric instability of chromosomes 1,9 and 16 and immunodeficiency. Last evaluated: 2024-02-17. Review status: criteria provided, single submitter. Criteria: Invitae Variant Classification Sherloc (09022015). Collection method: clinical testing. Allele origin: germline.
Comment: This sequence change replaces proline, which is neutral and non-polar, with threonine, which is neutral and polar, at codon 659 of the DNMT3B protein (p.Pro659Thr). This variant is not present in population databases (gnomAD no frequency). This variant has not been reported in the literature in individuals affected with DNMT3B-related conditions. ClinVar contains an entry for this variant (Variation ID: 1481908). Advanced modeling of protein sequence and biophysical properties (such as structural, functional, and spatial information, amino acid conservation, physicochemical variation, residue mobility, and thermodynamic stability) performed at Invitae indicates that this missense variant is expected to disrupt DNMT3B protein function with a positive predictive value of 80%. In summary, the available evidence is currently insufficient to determine the role of this variant in disease. Therefore, it has been classified as a Variant of Uncertain Significance.